The following is an entry in ClinVar:

NM_015631.6(TCTN3):c.957T>G (p.Asn319Lys)

Gene: TCTN3 (tectonic family member 3; minus strand). Cytogenetic location: 10q24.1.
Variant type: single nucleotide variant.
Coding change: c.957T>G on transcript NM_015631.6 (MANE Select); coding-DNA position 957, T replaced by G.
Protein change: p.Asn319Lys; replaces asparagine 319 with lysine.
Molecular consequence: missense variant. On other transcripts: intron variant (1).
Genome position (GRCh38, 1-based): chr10:95,685,568, A>C on the plus strand (T>G on the coding strand, the complement: TCTN3 is on the minus strand). VCF-style: chr10-95685568-A-C. GRCh37 (hg19) VCF-style: chr10-97445325-A-C.
Other names: c.651+927T>G (NM_001143973.2); c.957T>G (NM_015631.5); short protein forms N319K.
Identifiers: ClinVar variation 1408095 (VCV001408095.7), dbSNP rs1176554738, ClinGen allele CA377705979.
Genomic context (GRCh38, chr10:95,685,568, plus strand): 5'-GTGTTGATTAACACACATCAGTCCAGAATCTGAGGTCAGTATCCCTACCTGAGAAACTAC[A>C]TTCTGACAAGTGTTTCCAGCCAACAGAGGAGCATTAGCCTGTGAGGTAAGTATTACAGGA-3'
Protein context (NP_056446.4, residues 309-329): APLLAGNTCQ[Asn319Lys]VVSQVTYEIE

ClinVar aggregate classification (germline): Uncertain significance. Review status: criteria provided, multiple submitters, no conflicts (2 of 4 stars). 2 submissions from 2 submitters: Uncertain significance (2). Last evaluated 2025-04-03.

Conditions:
Inborn genetic diseases. Identifiers: MedGen C0950123, MeSH D030342.
Joubert syndrome 18 (JBTS18). Identifiers: Orphanet 2754, MedGen C3553758, MONDO:0013896, OMIM 614815.
Orofacial-digital syndrome IV (OFD4). Also called: BARAITSER-BURN SYNDROME; MOHR-MAJEWSKI SYNDROME; OFD SYNDROME WITH TIBIAL DEFECTS; OFD SYNDROME, BARAITSER-BURN TYPE; OFDS IV; ORAL-FACIAL-DIGITAL SYNDROME, TYPE IV. Identifiers: Orphanet 2753, MedGen C0406727, MONDO:0009794, OMIM 258860.

Allele frequency attached by ClinVar (database versions not stated): gnomAD exomes below 0.00001 and 0.00001; gnomAD 0.00001 and 0.00002; TOPMed 0.00001.
gnomAD v4.1: 5 of 1,551,262 alleles (0.00032%); highest among the groups gnomAD compares: Admixed American, 0.0039%; no homozygotes.

Submissions (2):

Ambry Genetics
Classification: Uncertain significance for Inborn genetic diseases. Last evaluated: 2025-04-03. Review status: criteria provided, single submitter. Criteria: Ambry Variant Classification Scheme 2023. Collection method: clinical testing. Allele origin: germline.

Labcorp Genetics (formerly Invitae), Labcorp
Classification: Uncertain significance for Joubert syndrome 18; Orofacial-digital syndrome IV. Last evaluated: 2022-07-01. Review status: criteria provided, single submitter. Criteria: Invitae Variant Classification Sherloc (09022015). Collection method: clinical testing. Allele origin: germline.
Comment: In summary, the available evidence is currently insufficient to determine the role of this variant in disease. Therefore, it has been classified as a Variant of Uncertain Significance. This sequence change replaces asparagine, which is neutral and polar, with lysine, which is basic and polar, at codon 319 of the TCTN3 protein (p.Asn319Lys). This variant is present in population databases (no rsID available, gnomAD 0.004%). This variant has not been reported in the literature in individuals affected with TCTN3-related conditions. ClinVar contains an entry for this variant (Variation ID: 1408095). Algorithms developed to predict the effect of missense changes on protein structure and function are either unavailable or do not agree on the potential impact of this missense change (SIFT: "Deleterious"; PolyPhen-2: "Probably Damaging"; Align-GVGD: "Class C0"). Algorithms developed to predict the effect of sequence changes on RNA splicing suggest that this variant may create or strengthen a splice site.